The following is an entry in ClinVar:

ClinVar aggregate classification (germline): Conflicting classifications of pathogenicity. Review status: criteria provided, conflicting classifications (1 of 4 stars). 8 submissions from 8 submitters: Uncertain significance (4); Likely benign (4). Last evaluated 2026-09-16.

Conditions:
Ehlers-Danlos syndrome, classic type, 1 (EDSCL1). Also called: EHLERS-DANLOS SYNDROME, GRAVIS TYPE; EHLERS-DANLOS SYNDROME, SEVERE CLASSIC TYPE; Ehlers-Danlos syndrome, type 1; Ehlers-Danlos Syndrome, Classic Type, COL5A1-Related; EDS I. Identifiers: MedGen C0268335, MONDO:0019567, OMIM 130000.
Ehlers-Danlos syndrome, classic type (cEDS). Identifiers: Orphanet 287, MedGen C4225429, MONDO:0007522.
COL5A1-related disorder. Also called: COL5A1-related condition.
Familial thoracic aortic aneurysm and aortic dissection (TAAD). Also called: Thoracic aortic aneurysms and dissections. Identifiers: Orphanet 91387, MedGen C4707243, MONDO:0019625.

Allele frequency attached by ClinVar (database versions not stated): ExAC 0.00003; gnomAD exomes 0.00009 and 0.00012; 1000 Genomes Project 30x 0.00016; 1000 Genomes Project 0.00020; TOPMed 0.00020; gnomAD 0.00022 and 0.00023.
gnomAD v4.1: 176 of 1,612,838 alleles (0.011%); highest among the groups gnomAD compares: Admixed American, 0.063%; no homozygotes.

Submissions (8):

GeneDx
Classification: Uncertain significance. Last evaluated: 2026-09-16. Review status: criteria provided, single submitter. Criteria: GeneDx Variant Classification Process June 2021. Collection method: clinical testing. Allele origin: germline.
Comment: In silico analysis supports that this missense variant has a deleterious effect on protein structure/function; Not located in the triple helical region, where the majority of pathogenic missense variants occur (PMID: 22696272; HGMD); This variant is associated with the following publications: (PMID: 22696272, 39226896, 32906206, 37079061)

Women's Health and Genetics/Laboratory Corporation of America, LabCorp
Classification: Likely benign. Last evaluated: 2026-05-12. Review status: criteria provided, single submitter. Criteria: LabCorp Variant Classification Summary - May 2015. Collection method: clinical testing. Allele origin: germline.
Comment: Variant summary: COL5A1 c.1637C>T (p.Ala546Val) results in a non-conservative amino acid change in the encoded protein sequence. Algorithms developed to predict the effect of missense changes on protein structure and function all suggest that this variant is likely to be disruptive. The variant allele was found at a frequency of 0.00012 in 248380 control chromosomes. The observed variant frequency exceeds the estimated maximal expected allele frequency for disease-causing variants in COL5A1, providing supporting evidence for a benign role. c.1637C>T has been observed in individual(s) affected with unclassified syndromic joint hypermobility or early onset complications of bicuspid aortic valve in the presence of a truncating variant in an alternate gene (e.g. Leone_2023, Mansoorshahi_2024). These report(s) do not provide unequivocal conclusions about association of the variant with Ehlers-Danlos Syndrome, Classic Type, 1. To our knowledge, no experimental evidence demonstrating an impact on protein function has been reported. ClinVar contains an entry for this variant (Variation ID: 212937). Based on the evidence outlined above, the variant was classified as likely benign.

Labcorp Genetics (formerly Invitae), Labcorp
Classification: Likely benign for Ehlers-Danlos syndrome, classic type, 1. Last evaluated: 2026-01-19. Review status: criteria provided, single submitter. Criteria: Invitae Variant Classification Sherloc (09022015). Collection method: clinical testing. Allele origin: germline.

Ambry Genetics
Classification: Uncertain significance for Familial thoracic aortic aneurysm and aortic dissection. Last evaluated: 2025-03-14. Review status: criteria provided, single submitter. Criteria: Ambry Variant Classification Scheme 2023. Collection method: clinical testing. Allele origin: germline.
Comment: The p.A546V variant (also known as c.1637C>T), located in coding exon 13 of the COL5A1 gene, results from a C to T substitution at nucleotide position 1637. The alanine at codon 546 is replaced by valine, an amino acid with similar properties. This alteration has been reported in a subject with features of Ehlers Danlos syndrome (Leone MP et al. Hum Genet, 2023 Jun;142:785-808). This amino acid position is highly conserved in available vertebrate species. In addition, the in silico prediction for this alteration is inconclusive. Based on the available evidence, the clinical significance of this variant remains unclear.

Mayo Clinic Laboratories, Mayo Clinic
Classification: Likely benign. Last evaluated: 2024-12-27. Review status: criteria provided, single submitter. Criteria: ACMG Guidelines, 2015. Collection method: clinical testing. Allele origin: germline. Observed: 3 variant alleles.
Comment: BS1

Blueprint Genetics
Classification: Likely benign. Last evaluated: 2024-09-09. Review status: criteria provided, single submitter. Criteria: ACMG Guidelines, 2015. Collection method: clinical testing. Allele origin: germline.

PreventionGenetics, part of Exact Sciences
Classification: Uncertain significance for COL5A1-related condition. Last evaluated: 2023-07-07. Review status: criteria provided, single submitter. Criteria: ACMG Guidelines, 2015. Collection method: clinical testing. Allele origin: germline.
Comment: The COL5A1 c.1637C>T variant is predicted to result in the amino acid substitution p.Ala546Val. To our knowledge, this variant has not been reported in the literature. This variant is reported in 0.040% of alleles in individuals of Latino descent in gnomAD. At this time, the clinical significance of this variant is uncertain due to the absence of conclusive functional and genetic evidence.

CeGaT Center for Human Genetics Tuebingen
Classification: Uncertain significance. Last evaluated: 2021-02-01. Review status: criteria provided, single submitter. Criteria: CeGaT Center For Human Genetics Tuebingen Variant Classification Criteria Version 2. Collection method: clinical testing. Allele origin: germline. Affected: yes. Observed: 1 variant allele.

Literature cited by the submitters: PubMed 37079061 (cited by 3 submitters); PubMed 39226896 (cited by Women's Health and Genetics/Laboratory Corporation of America, LabCorp).

NM_000093.5(COL5A1):c.1637C>T (p.Ala546Val)

Gene: COL5A1 (collagen type V alpha 1 chain; plus strand). Cytogenetic location: 9q34.3.
Variant type: single nucleotide variant.
Coding change: c.1637C>T on transcript NM_000093.5 (MANE Select); coding-DNA position 1637, C replaced by T.
Protein change: p.Ala546Val; replaces alanine 546 with valine.
Molecular consequence: missense variant.
Genome position (GRCh38, 1-based): chr9:134,750,857, C>T. VCF-style: chr9-134750857-C-T. GRCh37 (hg19) VCF-style: chr9-137642703-C-T.
Other names: p.A546V:GCG>GTG; p.Ala546Val; c.1637C>T, p.Ala546Val (NM_001278074.1); short protein forms A546V.
Identifiers: ClinVar variation 212937 (VCV000212937.62), dbSNP rs557361751, ClinGen allele CA320547.
Genomic context (GRCh38, chr9:134,750,857, plus strand): 5'-TTGGAGGTGGCGGCGATGCGGGCTCCAAAGGCCCCATGGTCTCAGCCCAGGAGTCCCAGG[C>T]GCAAGCCATTCTCCAGCAGGCCAGGGTGAGTACTGCTGGGTCCCAAGAGGCCTGAAGGGG-3'
Protein context (NP_000084.3, residues 536-556): GPMVSAQESQ[Ala546Val]QAILQQARLA